The following is an entry in ClinVar:

ClinVar aggregate classification (germline): Pathogenic/Likely pathogenic. Review status: criteria provided, multiple submitters, no conflicts (2 of 4 stars). 4 submissions from 4 submitters: Pathogenic (1); Likely pathogenic (1). 2 of the submissions do not count toward it. Last evaluated 2024-02-08.

Conditions:
Dyskeratosis congenita, autosomal dominant 2. Identifiers: MedGen C3151443, MONDO:0013521, OMIM 613989.
Idiopathic Pulmonary Fibrosis. Also called: Idiopathic fibrosing alveolitis, chronic form; idiopathic fibrosing alveolitis. Identifiers: Orphanet 2032, MedGen C1800706, MeSH D054990, MONDO:0800504.
Pulmonary fibrosis and/or bone marrow failure, Telomere-related, 1. Also called: PULMONARY FIBROSIS AND/OR BONE MARROW FAILURE SYNDROME, TELOMERE-RELATED, 1. Identifiers: Orphanet 88, MedGen C3553617, MONDO:0013878, OMIM 614742.
Interstitial lung disease 2 (ILD2). Also called: Familial idiopathic pulmonary fibrosis; FIBROCYSTIC PULMONARY DYSPLASIA; FIBROSING ALVEOLITIS, CRYPTOGENIC. Identifiers: Orphanet 2032, Orphanet 79126, MedGen C5561926, MONDO:0800497, OMIM 178500, MONDO:0800029.

Submissions (4):

GeneDx
Classification: Pathogenic. Last evaluated: 2024-02-08. Review status: criteria provided, single submitter. Criteria: GeneDx Variant Classification Process June 2021. Collection method: clinical testing. Allele origin: germline. Affected: yes.
Comment: Canonical splice site variant predicted to result in a null allele in a gene for which loss of function is a known mechanism of disease; Not observed at significant frequency in large population cohorts (gnomAD); This variant is associated with the following publications: (PMID: 17392301)

Labcorp Genetics (formerly Invitae), Labcorp
Classification: Likely pathogenic for Dyskeratosis congenita, autosomal dominant 2; Idiopathic Pulmonary Fibrosis. Last evaluated: 2021-08-04. Review status: criteria provided, single submitter. Criteria: Invitae Variant Classification Sherloc (09022015). Collection method: clinical testing. Allele origin: germline.
Comment: This sequence change affects a donor splice site in intron 1 of the TERT gene. It is expected to disrupt RNA splicing. Variants that disrupt the donor or acceptor splice site typically lead to a loss of protein function (PMID: 16199547), and loss-of-function variants in TERT are known to be pathogenic (PMID: 16247010, 17460043). In summary, the currently available evidence indicates that the variant is pathogenic, but additional data are needed to prove that conclusively. Therefore, this variant has been classified as Likely Pathogenic. Algorithms developed to predict the effect of sequence changes on RNA splicing suggest that this variant may disrupt the consensus splice site, but this prediction has not been confirmed by published transcriptional studies. This variant has been observed in individual(s) with idiopathic pulmonary fibrosis (PMID: 17392301). This variant is also known as IVS1+1G>A in the literature. ClinVar contains an entry for this variant (Variation ID: 12738). The frequency data for this variant in the population databases is considered unreliable, as metrics indicate insufficient coverage at this position in the ExAC database.

OMIM
Classification: Pathogenic for PULMONARY FIBROSIS AND/OR BONE MARROW FAILURE SYNDROME, TELOMERE-RELATED, 1. Last evaluated: 2007-03-29. Review status: no assertion criteria provided. Collection method: literature only. Allele origin: germline. Not counted in ClinVar's aggregate classification.

GeneReviews
No classification provided. Condition: Interstitial lung disease 2. Review status: no classification provided. Collection method: literature only. Allele origin: unknown. Not counted in ClinVar's aggregate classification.

Literature cited by the submitters: PubMed 16199547 (cited by Labcorp Genetics (formerly Invitae), Labcorp); PubMed 16247010 (cited by Labcorp Genetics (formerly Invitae), Labcorp); PubMed 17460043 (cited by Labcorp Genetics (formerly Invitae), Labcorp); PubMed 17392301 (cited by Labcorp Genetics (formerly Invitae), Labcorp and OMIM); PubMed 20301779 (cited by GeneReviews); NCBI Bookshelf NBK22301 (cited by GeneReviews).

NM_198253.3(TERT):c.219+1G>A

Genes: TERT (telomerase reverse transcriptase; minus strand), LOC110806263 (TERT 5' regulatory region; plus strand). Cytogenetic location: 5p15.33.
Variant type: single nucleotide variant.
Coding change: c.219+1G>A on transcript NM_198253.3 (MANE Select); the canonical splice donor site of the intron after coding-DNA position 219, G replaced by A.
Molecular consequence: splice donor variant.
Genome position (GRCh38, 1-based): chr5:1,294,770, C>T on the plus strand (G>A on the coding strand, the complement: TERT is on the minus strand). VCF-style: chr5-1294770-C-T. GRCh37 (hg19) VCF-style: chr5-1294885-C-T.
Other names: IVS1DS, G-A, +1; c.219+1G>A (NM_001193376.3).
Identifiers: ClinVar variation 12738 (VCV000012738.13), dbSNP rs199422309, ClinGen allele CA122668.